The following is an entry in ClinVar:

NM_021930.6(RINT1):c.2258C>T (p.Ser753Leu)

Genes: EFCAB10 (EF-hand calcium binding domain 10; minus strand), RINT1 (RAD50 interactor 1; plus strand). Cytogenetic location: 7q22.3.
Variant type: single nucleotide variant.
Coding change: c.2258C>T on transcript NM_021930.6 (MANE Select); coding-DNA position 2258, C replaced by T.
Protein change: p.Ser753Leu; replaces serine 753 with leucine.
Molecular consequence: missense variant. On other transcripts: 3 prime UTR variant (2), non-coding transcript variant (1), intron variant (3).
Genome position (GRCh38, 1-based): chr7:105,567,190, C>T. VCF-style: chr7-105567190-C-T. GRCh37 (hg19) VCF-style: chr7-105207637-C-T.
Other names: c.*264G>A (NM_001355527.2, NM_001355529.2); c.2024C>T, p.Ser675Leu (NM_001346599.2); c.1235C>T, p.Ser412Leu (NM_001346600.2, NM_001346603.2); c.1334C>T, p.Ser445Leu (NM_001346601.2); c.360-1743G>A (NM_001355531.2); c.383+277G>A (NM_001355526.2, NM_001355530.2); short protein forms S753L, S412L, S445L, S675L.
Identifiers: ClinVar variation 2622866 (VCV002622866.2), dbSNP rs895052984, ClinGen allele CA164069170.

ClinVar aggregate classification (germline): Uncertain significance (1 of 4 stars; one submission).

Allele frequency attached by ClinVar (database versions not stated): gnomAD exomes below 0.00001; TOPMed below 0.00001.
gnomAD v4.1: 1 of 1,611,374 alleles (0.000062%); highest among the groups gnomAD compares: African/African-American, 0.0013%; no homozygotes.

Submission:

Ambry Genetics
Classification: Uncertain significance. Last evaluated: 2023-07-13. Review status: criteria provided, single submitter. Criteria: Ambry Variant Classification Scheme 2023. Collection method: clinical testing. Allele origin: germline.
Comment: The p.S753L variant (also known as c.2258C>T), located in coding exon 15 of the RINT1 gene, results from a C to T substitution at nucleotide position 2258. The serine at codon 753 is replaced by leucine, an amino acid with dissimilar properties. This amino acid position is conserved. In addition, this alteration is predicted to be tolerated by in silico analysis. Since supporting evidence is limited at this time, the clinical significance of this alteration remains unclear.